The following is an entry in ClinVar:

ClinVar aggregate classification (germline): Uncertain significance. Review status: criteria provided, multiple submitters, no conflicts (2 of 4 stars). 2 submissions from 2 submitters: Uncertain significance (2). Last evaluated 2025-05-15.

Conditions:
Cardiovascular phenotype. Identifiers: MedGen CN230736.
Ehlers-Danlos syndrome due to tenascin-X deficiency (EDSCLL1). Also called: TNX DEFICIENCY; EHLERS-DANLOS SYNDROME, CLASSIC-LIKE; Ehlers-Danlos syndrome, classic-like, 1; TNXB-Related Classical-Like Ehlers-Danlos Syndrome; EDS DUE TO TNX DEFICIENCY. Identifiers: Orphanet 230839, MedGen C1848029, MONDO:0011670, OMIM 606408.
Vesicoureteral reflux 8 (VUR8). Identifiers: Orphanet 289365, MedGen C4014831, MONDO:0014422, OMIM 615963.

Allele frequency attached by ClinVar (database versions not stated): gnomAD exomes below 0.00001; TOPMed below 0.00001.
gnomAD v4.1: 1 of 1,612,864 alleles (0.000062%); highest among the groups gnomAD compares: Non-Finnish European, 0.000085%; no homozygotes.

Submissions (2):

Ambry Genetics
Classification: Uncertain significance for Cardiovascular phenotype. Last evaluated: 2025-05-15. Review status: criteria provided, single submitter. Criteria: Ambry Variant Classification Scheme 2023. Collection method: clinical testing. Allele origin: germline.
Comment: The p.F1908Y variant (also known as c.5723T>A), located in coding exon 15 of the TNXB gene, results from a T to A substitution at nucleotide position 5723. The phenylalanine at codon 1908 is replaced by tyrosine, an amino acid with highly similar properties. This amino acid position is conserved. In addition, this alteration is predicted to be tolerated by in silico analysis. Since supporting evidence is limited at this time, the clinical significance of this alteration remains unclear.

Center for Genomics, Ann and Robert H. Lurie Children's Hospital of Chicago
Classification: Uncertain significance for Ehlers-Danlos syndrome due to tenascin-X deficiency; Vesicoureteral reflux 8. Review status: criteria provided, single submitter. Criteria: ACMG Guidelines, 2015. Collection method: clinical testing. Allele origin: germline.
Comment: TNXB NM_019105.6 exon 16 p.Phe1908Tyr (c.5723T>A): This variant has not been reported in the literature and is not present in large control databases. Evolutionary conservation and computational predictive tools suggest that this variant may not impact the protein. In summary, data on this variant is insufficient for disease classification. Therefore, the clinical significance of this variant is uncertain.

NM_001365276.2(TNXB):c.5723T>A (p.Phe1908Tyr)

Gene: TNXB (tenascin XB; minus strand). Cytogenetic location: 6p21.33.
Variant type: single nucleotide variant.
Coding change: c.5723T>A on transcript NM_001365276.2 (MANE Select); coding-DNA position 5723, T replaced by A.
Protein change: p.Phe1908Tyr; replaces phenylalanine 1908 with tyrosine.
Molecular consequence: missense variant.
Genome position (GRCh38, 1-based): chr6:32,069,001, A>T on the plus strand (T>A on the coding strand, the complement: TNXB is on the minus strand). VCF-style: chr6-32069001-A-T. GRCh37 (hg19) VCF-style: chr6-32036778-A-T.
Other names: c.5723T>A, p.Phe1908Tyr (NM_019105.8); short protein forms F1908Y.
Identifiers: ClinVar variation 1675140 (VCV001675140.5), dbSNP rs1030656217, ClinGen allele CA136887155.